The following is an entry in ClinVar:

ClinVar aggregate classification (germline): Likely benign (1 of 4 stars; one submission).

Conditions:
SEMA3B-related disorder. Also called: SEMA3B-related condition.

gnomAD v4.1: 3 of 1,532,798 alleles (0.0002%); highest among the groups gnomAD compares: East Asian, 0.0024%; no homozygotes.

Submission:

PreventionGenetics, part of Exact Sciences
Classification: Likely benign for SEMA3B-related condition. Last evaluated: 2026-01-14. Review status: criteria provided, single submitter. Criteria: ACMG Guidelines, 2015. Collection method: clinical testing. Allele origin: germline.
Comment: This variant is classified as likely benign based on ACMG/AMP sequence variant interpretation guidelines (Richards et al. 2015 PMID: 25741868, with internal and published modifications).

NM_001290060.2(SEMA3B):c.-9G>A

Gene: SEMA3B (semaphorin 3B; plus strand). Cytogenetic location: 3p21.31.
Variant type: single nucleotide variant.
Coding change: c.-9G>A on transcript NM_001290060.2 (MANE Select); 9 bases upstream of the start codon, G replaced by A.
Molecular consequence: 5 prime UTR variant.
Genome position (GRCh38, 1-based): chr3:50,269,232, G>A. VCF-style: chr3-50269232-G-A. GRCh37 (hg19) VCF-style: chr3-50306664-G-A.
Other names: c.-9G>A (NM_001005914.3, NM_001290061.1, NM_001435956.1 and 3 more transcripts).
Identifiers: ClinVar variation 4996322 (VCV004996322.1).